The following is an entry in ClinVar:

NM_005359.6(SMAD4):c.1523G>A (p.Gly508Asp)

Gene: SMAD4 (SMAD family member 4; plus strand). Cytogenetic location: 18q21.2.
Variant type: single nucleotide variant.
Coding change: c.1523G>A on transcript NM_005359.6 (MANE Select); coding-DNA position 1523, G replaced by A.
Protein change: p.Gly508Asp; replaces glycine 508 with aspartic acid.
Molecular consequence: missense variant.
Genome position (GRCh38, 1-based): chr18:51,078,331, G>A. VCF-style: chr18-51078331-G-A. GRCh37 (hg19) VCF-style: chr18-48604701-G-A.
Other names: short protein forms G508D.
Identifiers: ClinVar variation 549766 (VCV000549766.3), dbSNP rs1555687572, ClinGen allele CA402465936.
Genomic context (GRCh38, chr18:51,078,331, plus strand): 5'-CTGGAATTGGTGTTGATGACCTTCGTCGCTTATGCATACTCAGGATGAGTTTTGTGAAAG[G>A]CTGGGGACCGGATTACCCAAGACAGAGCATCAAAGAAACACCTTGCTGGATTGAAATTCA-3'
Protein context (NP_005350.1, residues 498-518): LCILRMSFVK[Gly508Asp]WGPDYPRQSI

ClinVar aggregate classification (germline): Likely pathogenic (1 of 4 stars; one submission).

Conditions:
Generalized juvenile polyposis/juvenile polyposis coli. Also called: Juvenile polyposis coli. Identifiers: Orphanet 329971, MedGen C1868081, MONDO:0008276.

Allele frequency attached by ClinVar (database versions not stated): gnomAD exomes below 0.00001.
gnomAD v4.1: 1 of 1,614,182 alleles (0.000062%); highest among the groups gnomAD compares: Non-Finnish European, 0.000085%; no homozygotes.

Submission:

University of Washington Department of Laboratory Medicine, University of Washington
Classification: Likely pathogenic for Juvenile polyposis syndrome. Last evaluated: 2018-05-01. Review status: criteria provided, single submitter. Criteria: Tsai GJ et al. (Genet Med 2018). Collection method: research. Allele origin: de novo. Inheritance: Autosomal dominant inheritance. Affected: yes. Observed: 1 variant allele.
Comment: The SMAD4 variant designated as NM_005359.5:c.1523G>A (p.Gly508Asp) is as likely pathogenic. This variant is highly conserved. It is not listed in population databases (ExAC or gnomAD). It is predicted to be damaging by in silico software programs (SIFT: â€œDamagingâ€, PolyPhen-2 â€œProbably Damagingâ€). The combined results are consistent with a classification of likely pathogenic. Bayesian analysis integrating all of this data (Tavtigian et al, 2018, PMID:29300386) gives 98% probability of pathogenicity, which is consistent with a classification of likely pathogenic. This variant is predicted to alter SMAD4 function and increase cancer risk. This analysis was performed in conjunction with the family studies project as part of the University of Washington Find My Variant Study.